The following is an entry in ClinVar:

ClinVar aggregate classification (germline): Likely benign. Review status: criteria provided, multiple submitters, no conflicts (2 of 4 stars). 2 submissions from 2 submitters: Likely benign (2). Last evaluated 2025-01-07.

Conditions:
Ehlers-Danlos syndrome, classic type, 1 (EDSCL1). Also called: EDS I; EHLERS-DANLOS SYNDROME, GRAVIS TYPE; EHLERS-DANLOS SYNDROME, SEVERE CLASSIC TYPE; Ehlers-Danlos Syndrome, Classic Type, COL5A1-Related; Ehlers-Danlos syndrome, type 1. Identifiers: MedGen C0268335, MONDO:0019567, OMIM 130000.

Allele frequency attached by ClinVar (database versions not stated): gnomAD exomes below 0.00001 and 0.00001; ExAC 0.00001.
gnomAD v4.1: 5 of 1,614,112 alleles (0.00031%); highest among the groups gnomAD compares: Admixed American, 0.0033%; no homozygotes.

Submissions (2):

Labcorp Genetics (formerly Invitae), Labcorp
Classification: Likely benign for Ehlers-Danlos syndrome, classic type, 1. Last evaluated: 2025-01-07. Review status: criteria provided, single submitter. Criteria: Invitae Variant Classification Sherloc (09022015). Collection method: clinical testing. Allele origin: germline.

GeneDx
Classification: Likely benign. Last evaluated: 2018-03-27. Review status: criteria provided, single submitter. Criteria: GeneDx Variant Classification (06012015). Collection method: clinical testing. Allele origin: germline. Affected: yes.
Comment: This variant is considered likely benign or benign based on one or more of the following criteria: it is a conservative change, it occurs at a poorly conserved position in the protein, it is predicted to be benign by multiple in silico algorithms, and/or has population frequency not consistent with disease.

NM_000093.5(COL5A1):c.2845-11T>C

Gene: COL5A1 (collagen type V alpha 1 chain; plus strand). Cytogenetic location: 9q34.3.
Variant type: single nucleotide variant.
Coding change: c.2845-11T>C on transcript NM_000093.5 (MANE Select); 11 bases into the intron before coding-DNA position 2845, T replaced by C.
Molecular consequence: intron variant.
Genome position (GRCh38, 1-based): chr9:134,796,837, T>C. VCF-style: chr9-134796837-T-C. GRCh37 (hg19) VCF-style: chr9-137688683-T-C.
Other names: c.2845-11T>C (NM_001278074.1).
Identifiers: ClinVar variation 670122 (VCV000670122.6), dbSNP rs769433136, ClinGen allele CA5319637.